The following is an entry in ClinVar:

ClinVar aggregate classification (germline): Uncertain significance (1 of 4 stars; one submission).

Submission:

GeneDx
Classification: Uncertain significance. Last evaluated: 2024-01-12. Review status: criteria provided, single submitter. Criteria: GeneDx Variant Classification Process June 2021. Collection method: clinical testing. Allele origin: germline. Affected: yes.
Comment: Not observed at significant frequency in large population cohorts (gnomAD); In silico analysis supports that this missense variant does not alter protein structure/function; Has not been previously published as pathogenic or benign to our knowledge

NM_005159.5(ACTC1):c.25G>A (p.Ala9Thr)

Genes: ACTC1 (actin alpha cardiac muscle 1; minus strand), GJD2-DT (GJD2 divergent transcript; plus strand). Cytogenetic location: 15q14.
Variant type: single nucleotide variant.
Coding change: c.25G>A on transcript NM_005159.5 (MANE Select); coding-DNA position 25, G replaced by A.
Protein change: p.Ala9Thr; replaces alanine 9 with threonine.
Molecular consequence: missense variant.
Genome position (GRCh38, 1-based): chr15:34,794,784, C>T on the plus strand (G>A on the coding strand, the complement: ACTC1 is on the minus strand). VCF-style: chr15-34794784-C-T. GRCh37 (hg19) VCF-style: chr15-35086985-C-T.
Other names: c.25G>A, p.Ala9Thr (NM_001406482.1, NM_001406483.1); short protein forms A9T.
Identifiers: ClinVar variation 3367796 (VCV003367796.1).